The following is an entry in ClinVar:

ClinVar aggregate classification (germline): Uncertain significance (1 of 4 stars; one submission).

Allele frequency attached by ClinVar (database versions not stated): ExAC 0.00002; ESP Exome Variant Server 0.00008; 1000 Genomes Project 30x 0.00016; 1000 Genomes Project 0.00020.
gnomAD v4.1: 23 of 1,614,102 alleles (0.0014%); highest among the groups gnomAD compares: African/African-American, 0.0027%; no homozygotes.

Submission:

Labcorp Genetics (formerly Invitae), Labcorp
Classification: Uncertain significance. Last evaluated: 2023-12-08. Review status: criteria provided, single submitter. Criteria: Invitae Variant Classification Sherloc (09022015). Collection method: clinical testing. Allele origin: germline.
Comment: This sequence change replaces arginine, which is basic and polar, with histidine, which is basic and polar, at codon 390 of the TUBA8 protein (p.Arg390His). This variant is present in population databases (rs367845500, gnomAD 0.007%). This variant has not been reported in the literature in individuals affected with TUBA8-related conditions. ClinVar contains an entry for this variant (Variation ID: 2086424). Advanced modeling of protein sequence and biophysical properties (such as structural, functional, and spatial information, amino acid conservation, physicochemical variation, residue mobility, and thermodynamic stability) performed at Invitae indicates that this missense variant is not expected to disrupt TUBA8 protein function with a negative predictive value of 80%. In summary, the available evidence is currently insufficient to determine the role of this variant in disease. Therefore, it has been classified as a Variant of Uncertain Significance.

NM_018943.3(TUBA8):c.1169G>A (p.Arg390His)

Gene: TUBA8 (tubulin alpha 8; plus strand). Cytogenetic location: 22q11.21.
Variant type: single nucleotide variant.
Coding change: c.1169G>A on transcript NM_018943.3 (MANE Select); coding-DNA position 1169, G replaced by A.
Protein change: p.Arg390His; replaces arginine 390 with histidine.
Molecular consequence: missense variant.
Genome position (GRCh38, 1-based): chr22:18,130,955, G>A. VCF-style: chr22-18130955-G-A. GRCh37 (hg19) VCF-style: chr22-18613722-G-A.
Other names: c.971G>A, p.Arg324His (NM_001193414.2); short protein forms R390H, R324H.
Identifiers: ClinVar variation 2086424 (VCV002086424.3), dbSNP rs367845500, ClinGen allele CA10093858.